The following is an entry in ClinVar:

ClinVar aggregate classification (germline): Uncertain significance. Review status: criteria provided, multiple submitters, no conflicts (2 of 4 stars). 3 submissions from 3 submitters: Uncertain significance (3). Last evaluated 2024-02-19.

Conditions:
Familial hypocalciuric hypercalcemia (FHH). Also called: Familial benign hypercalcemia. Identifiers: Orphanet 405, MedGen C1809471, MONDO:0018458.
Autosomal dominant hypocalcemia 1 (HYPOC1). Also called: HYPOCALCEMIA, FAMILIAL. Identifiers: MedGen C3715128, MONDO:0011013, OMIM 601198.
Nephrolithiasis/nephrocalcinosis. Identifiers: MedGen CN580796.

Submissions (3):

Labcorp Genetics (formerly Invitae), Labcorp
Classification: Uncertain significance for Familial hypocalciuric hypercalcemia; Autosomal dominant hypocalcemia 1. Last evaluated: 2024-02-19. Review status: criteria provided, single submitter. Criteria: Invitae Variant Classification Sherloc (09022015). Collection method: clinical testing. Allele origin: germline.
Comment: This sequence change replaces leucine, which is neutral and non-polar, with proline, which is neutral and non-polar, at codon 157 of the CASR protein (p.Leu157Pro). This variant is not present in population databases (gnomAD no frequency). This variant has not been reported in the literature in individuals affected with CASR-related conditions. ClinVar contains an entry for this variant (Variation ID: 446999). An algorithm developed to predict the effect of missense changes on protein structure and function (PolyPhen-2) suggests that this variant is likely to be disruptive. In summary, the available evidence is currently insufficient to determine the role of this variant in disease. Therefore, it has been classified as a Variant of Uncertain Significance.

Athena Diagnostics
Classification: Uncertain significance. Last evaluated: 2022-09-27. Review status: criteria provided, single submitter. Criteria: Athena Diagnostics Criteria. Collection method: clinical testing. Allele origin: unknown.
Comment: Available data are insufficient to determine the clinical significance of the variant at this time. This variant has not been reported in large, multi-ethnic general populations. Computational tools predict that this variant is damaging.

Ambry Genetics
Classification: Uncertain significance for Nephrolithiasis/nephrocalcinosis. Last evaluated: 2022-06-20. Review status: criteria provided, single submitter. Criteria: Ambry Variant Classification Scheme 2023. Collection method: clinical testing. Allele origin: germline.
Comment: The p.L157P variant (also known as c.470T>C), located in coding exon 2 of the CASR gene, results from a T to C substitution at nucleotide position 470. The leucine at codon 157 is replaced by proline, an amino acid with similar properties. This amino acid position is conserved. In addition, this alteration is predicted to be deleterious by in silico analysis. Since supporting evidence is limited at this time, the clinical significance of this alteration remains unclear.

NM_000388.4(CASR):c.470T>C (p.Leu157Pro)

Gene: CASR (calcium sensing receptor; plus strand). Cytogenetic location: 3q21.1.
Variant type: single nucleotide variant.
Coding change: c.470T>C on transcript NM_000388.4 (MANE Select); coding-DNA position 470, T replaced by C.
Protein change: p.Leu157Pro; replaces leucine 157 with proline.
Molecular consequence: missense variant.
Genome position (GRCh38, 1-based): chr3:122,257,365, T>C. VCF-style: chr3-122257365-T-C. GRCh37 (hg19) VCF-style: chr3-121976212-T-C.
Other names: c.470T>C, p.Leu157Pro (NM_001178065.2); short protein forms L157P.
Identifiers: ClinVar variation 446999 (VCV000446999.6), dbSNP rs1553766286, ClinGen allele CA354362959.